The following is an entry in ClinVar:

ClinVar aggregate classification (germline): Uncertain significance. Review status: criteria provided, multiple submitters, no conflicts (2 of 4 stars). 3 submissions from 3 submitters: Uncertain significance (2). 1 of the submissions does not count toward it. Last evaluated 2026-02-06.

Conditions:
Fetal anomalies with a likely genetic cause.
Congenital anomaly of kidney and urinary tract. Also called: Congenital anomalies of the kidney and urinary tract; Congenital anomalies of kidney and urinary tract. Identifiers: Orphanet 93545, MedGen C1968949, MeSH C566906, MONDO:0019719.

Allele frequency attached by ClinVar (database versions not stated): gnomAD exomes below 0.00001.
gnomAD v4.1: 1 of 1,614,156 alleles (0.000062%); highest among the groups gnomAD compares: Non-Finnish European, 0.000085%; no homozygotes.

Submissions (3):

Genetics Laboratory, Great Ormond Street Hospital NHS Foundation Trust, North Thames Genomic Laboratory Hub
Classification: Uncertain significance for Fetal anomalies with a likely genetic cause. Last evaluated: 2026-02-06. Review status: criteria provided, single submitter. Criteria: ACGS Best Practice Guidelines for Variant Classification in Rare Disease 2024 v1.2. Collection method: clinical testing. Allele origin: germline. Affected: yes.
Comment: PM2_moderate, PP3_supporting, PM1_moderate

CeGaT Center for Human Genetics Tuebingen
Classification: Uncertain significance. Last evaluated: 2020-01-01. Review status: criteria provided, single submitter. Criteria: CeGaT Center For Human Genetics Tuebingen Variant Classification Criteria Version 2. Collection method: clinical testing. Allele origin: germline. Affected: yes. Observed: 2 variant alleles.

Yale Center for Mendelian Genomics, Yale University
Classification: Likely pathogenic for Congenital anomaly of kidney and urinary tract. Last evaluated: 2019-06-22. Review status: no assertion criteria provided. Collection method: literature only. Allele origin: germline. Affected: yes. Observed: 3 heterozygotes. Study: Yale Center for Mendelian Genomics. Not counted in ClinVar's aggregate classification.

Literature cited by the submitters: PubMed 31230195 (cited by Yale Center for Mendelian Genomics, Yale University).

NM_001845.6(COL4A1):c.4213G>A (p.Gly1405Ser)

Gene: COL4A1 (collagen type IV alpha 1 chain; minus strand). Cytogenetic location: 13q34.
Variant type: single nucleotide variant.
Coding change: c.4213G>A on transcript NM_001845.6 (MANE Select); coding-DNA position 4213, G replaced by A.
Protein change: p.Gly1405Ser; replaces glycine 1405 with serine.
Molecular consequence: missense variant.
Genome position (GRCh38, 1-based): chr13:110,163,499, C>T on the plus strand (G>A on the coding strand, the complement: COL4A1 is on the minus strand). VCF-style: chr13-110163499-C-T. GRCh37 (hg19) VCF-style: chr13-110815846-C-T.
Other names: short protein forms G1405S.
Identifiers: ClinVar variation 872456 (VCV000872456.43), dbSNP rs1877181545, ClinGen allele CA388659289.